The following is an entry in ClinVar:

NM_000142.5(FGFR3):c.1853T>A (p.Leu618Gln)

Gene: FGFR3 (fibroblast growth factor receptor 3; plus strand). Cytogenetic location: 4p16.3.
Variant type: single nucleotide variant.
Coding change: c.1853T>A on transcript NM_000142.5 (MANE Select); coding-DNA position 1853, T replaced by A.
Protein change: p.Leu618Gln; replaces leucine 618 with glutamine.
Molecular consequence: missense variant. On other transcripts: non-coding transcript variant (1).
Genome position (GRCh38, 1-based): chr4:1,806,067, T>A. VCF-style: chr4-1806067-T-A. GRCh37 (hg19) VCF-style: chr4-1807794-T-A.
Other names: c.1859T>A, p.Leu620Gln (NM_001163213.2); c.1856T>A, p.Leu619Gln (NM_001354809.2, NM_001354810.2); c.1517T>A, p.Leu506Gln (NM_022965.4); short protein forms L506Q, L618Q, L619Q, L620Q.
Identifiers: ClinVar variation 4084658 (VCV004084658.8).

ClinVar aggregate classification (germline): Uncertain significance (1 of 4 stars; one submission).

Submission:

CeGaT Center for Human Genetics Tuebingen
Classification: Uncertain significance. Last evaluated: 2025-09-01. Review status: criteria provided, single submitter. Criteria: CeGaT Center For Human Genetics Tuebingen Variant Classification Criteria Version 2. Collection method: clinical testing. Allele origin: germline. Affected: yes. Observed: 1 variant allele.
Comment: FGFR3: PM2, PP2, PP3